The following is an entry in ClinVar:

ClinVar aggregate classification (germline): Uncertain significance (1 of 4 stars; one submission).

Submission:

Women's Health and Genetics/Laboratory Corporation of America, LabCorp
Classification: Uncertain significance. Last evaluated: 2025-07-30. Review status: criteria provided, single submitter. Criteria: LabCorp Variant Classification Summary - May 2015. Collection method: clinical testing. Allele origin: germline.
Comment: Variant summary: LRP4 c.5074G>A (p.Glu1692Lys) results in a conservative amino acid change in the encoded protein sequence. Algorithms developed to predict the effect of missense changes on protein structure and function all suggest that this variant is likely to be tolerated. The variant was absent in 251398 control chromosomes. The available data on variant occurrences in the general population are insufficient to allow any conclusion about variant significance. To our knowledge, no occurrence of c.5074G>A in individuals affected with LRP4-Related Disorders and no experimental evidence demonstrating its impact on protein function have been reported. No submitters have cited clinical-significance assessments for this variant to ClinVar. Based on the evidence outlined above, the variant was classified as uncertain significance.

NM_002334.4(LRP4):c.5074G>A (p.Glu1692Lys)

Genes: LRP4 (LDL receptor related protein 4; minus strand), LRP4-AS1 (LRP4 antisense RNA 1; plus strand). Cytogenetic location: 11p11.2.
Variant type: single nucleotide variant.
Coding change: c.5074G>A on transcript NM_002334.4 (MANE Select); coding-DNA position 5074, G replaced by A.
Protein change: p.Glu1692Lys; replaces glutamic acid 1692 with lysine.
Molecular consequence: missense variant.
Genome position (GRCh38, 1-based): chr11:46,867,992, C>T on the plus strand (G>A on the coding strand, the complement: LRP4 is on the minus strand). VCF-style: chr11-46867992-C-T. GRCh37 (hg19) VCF-style: chr11-46889543-C-T.
Other names: short protein forms E1692K.
Identifiers: ClinVar variation 4525762 (VCV004525762.1).